The following is an entry in ClinVar:

NM_006015.6(ARID1A):c.2162-1G>A

Gene: ARID1A (AT-rich interaction domain 1A; plus strand). Cytogenetic location: 1p36.11.
Variant type: single nucleotide variant.
Coding change: c.2162-1G>A on transcript NM_006015.6 (MANE Select); the canonical splice acceptor site of the intron before coding-DNA position 2162, G replaced by A.
Molecular consequence: splice acceptor variant.
Genome position (GRCh38, 1-based): chr1:26,761,383, G>A. VCF-style: chr1-26761383-G-A. GRCh37 (hg19) VCF-style: chr1-27087874-G-A.
Other names: c.2162-1G>A (NM_139135.4).
Identifiers: ClinVar variation 4812901 (VCV004812901.1).

ClinVar aggregate classification (germline): Likely pathogenic (1 of 4 stars; one submission).

Submission:

GeneDx
Classification: Likely pathogenic. Last evaluated: 2025-08-29. Review status: criteria provided, single submitter. Criteria: GeneDx Variant Classification Process June 2021. Collection method: clinical testing. Allele origin: germline. Affected: yes.
Comment: Canonical splice site variant predicted to result in an in-frame loss of the adjacent exon in a gene for which loss of function is a known mechanism of disease; Not observed at significant frequency in large population cohorts (gnomAD); Has not been previously published as pathogenic or benign to our knowledge